The following is an entry in ClinVar:

ClinVar aggregate classification (germline): Uncertain significance (1 of 4 stars; one submission).

Conditions:
Immunodeficiency due to CD25 deficiency. Also called: IL2RA DEFICIENCY; CD25 DEFICIENCY; IMMUNODEFICIENCY 41 WITH LYMPHOPROLIFERATION AND AUTOIMMUNITY. Identifiers: Orphanet 169100, MedGen C1853392, MONDO:0011664, OMIM 606367.

Allele frequency attached by ClinVar (database versions not stated): gnomAD 0.00001; TOPMed 0.00001.
gnomAD v4.1: 1 of 1,613,700 alleles (0.000062%); highest among the groups gnomAD compares: African/African-American, 0.0013%; no homozygotes.

Submission:

Labcorp Genetics (formerly Invitae), Labcorp
Classification: Uncertain significance for Immunodeficiency due to CD25 deficiency. Last evaluated: 2019-11-10. Review status: criteria provided, single submitter. Criteria: Invitae Variant Classification Sherloc (09022015). Collection method: clinical testing. Allele origin: germline.
Comment: In summary, the available evidence is currently insufficient to determine the role of this variant in disease. Therefore, it has been classified as a Variant of Uncertain Significance. Algorithms developed to predict the effect of missense changes on protein structure and function are either unavailable or do not agree on the potential impact of this missense change (SIFT: "Deleterious"; PolyPhen-2: "Possibly Damaging"; Align-GVGD: "Class C0"). This variant has not been reported in the literature in individuals with IL2RA-related conditions. This variant is not present in population databases (ExAC no frequency). This sequence change replaces aspartic acid with tyrosine at codon 2 of the IL2RA protein (p.Asp2Tyr). The aspartic acid residue is weakly conserved and there is a large physicochemical difference between aspartic acid and tyrosine.

NM_000417.3(IL2RA):c.4G>T (p.Asp2Tyr)

Genes: IL2RA (interleukin 2 receptor subunit alpha; minus strand), LOC128462384 (CRISPRi-FlowFISH-validated IL2RA regulatory element GRCh37_chr10:6104083-6104713; plus strand). Cytogenetic location: 10p15.1.
Variant type: single nucleotide variant.
Coding change: c.4G>T on transcript NM_000417.3 (MANE Select); coding-DNA position 4, G replaced by T.
Protein change: p.Asp2Tyr; replaces aspartic acid 2 with tyrosine.
Molecular consequence: missense variant.
Genome position (GRCh38, 1-based): chr10:6,062,148, C>A on the plus strand (G>T on the coding strand, the complement: IL2RA is on the minus strand). VCF-style: chr10-6062148-C-A. GRCh37 (hg19) VCF-style: chr10-6104111-C-A.
Other names: c.4G>T, p.Asp2Tyr (NM_001308243.2, NM_001308242.2); short protein forms D2Y.
Identifiers: ClinVar variation 955560 (VCV000955560.10), dbSNP rs1406895472, ClinGen allele CA375940561.